The following is an entry in ClinVar:

ClinVar aggregate classification (germline): Likely pathogenic (3 of 4 stars; one submission).

Conditions:
Bernard Soulier syndrome (BSS). Also called: BLEEDING DISORDER, PLATELET-TYPE, 1; PLATELET GLYCOPROTEIN Ib DEFICIENCY; VON WILLEBRAND FACTOR RECEPTOR DEFICIENCY; Platelet Glycoprotein 1b, Deficiency of; Giant platelet syndrome; Hemorrhagiparous thrombocytic dystrophy. Identifiers: Orphanet 274, MedGen C0005129, MeSH D001606, MONDO:0009276, OMIM 231200.

Submission:

ClinGen Platelet Disorders Variant Curation Expert Panel, ClinGen
Classification: Likely pathogenic for Bernard Soulier syndrome. Last evaluated: 2026-04-02. Review status: reviewed by expert panel. Criteria: ClinGen Platelet ACMG Specifications GP1BA V1.0.0. Collection method: curation. Allele origin: germline. Inheritance: Autosomal recessive inheritance.
Comment: The NM_000173.7(GP1BA):c.199del (p.Leu67Ter) variant in GP1BA is a frameshift variant that may cause a premature stop codon that is predicted to escape nonsense mediated decay, however the truncation includes the functionally important transmembrane domain (removes amino acids 532-553) in a gene where loss-of-function is an established disease mechanism (PVS1_Strong). This variant has been detected in at least 1 proband with Bernard-Soulier syndrome that is compound heterozygous for this variant and a pathogenic variant (GP1BA, c.673T>A, p.Cys225Ser, CA397318012,435347) confirmed in trans by Sanger sequencing (internal laboratory cohort). Total points: 1 (PM3). The Grpmax Filtering allele frequency in gnomAD v4.1 is 0.000005530 (based on 2/60020 alleles) in the Admixed American population, which is lower than the ClinGen PD VCEP threshold for PM2_Supporting (<0.0001114). In summary, this variant meets the criteria to be classified as a likely pathogenic for Bernard-Soulier syndrome. ACMG/AMP criteria applied, as specified by the Platelet Disorders Variant Curation Expert Panel (specification version 1.1.0) for GP1BA: PVS1_Strong, PM3, PM2_Supporting.

NM_000173.7(GP1BA):c.199del (p.Thr66_Leu67insTer)

Gene: GP1BA (glycoprotein Ib platelet subunit alpha; plus strand). Cytogenetic location: 17p13.2.
Variant type: Deletion.
Coding change: c.199del on transcript NM_000173.7 (MANE Select); coding-DNA position 199, one base deleted (C; older notation c.199delC).
Protein change: p.Thr66_Leu67insTer.
Molecular consequence: nonsense.
Genome position (GRCh38, 1-based): chr17:4,932,803, C deleted; the last of 3 consecutive C bases (chr17:4,932,801-4,932,803); deleting any one gives the same sequence. VCF-style (leftmost placement, unchanged base first): chr17-4932800-AC-A. GRCh37 (hg19) VCF-style: chr17-4836095-AC-A.
Other names: NM_000173.7:c.199del.
Identifiers: ClinVar variation 4849255 (VCV004849255.1).
Genomic context (GRCh38, chr17:4,932,800, plus strand): 5'-CCGAAAGACACAACCATCCTCCACCTGAGTGAGAACCTCCTGTACACCTTCTCCCTGGCA[AC>A]CCTGATGCCTTACACTCGCCTCACTCAGCTGAACCTAGATAGGTGCGAGCTCACCAAGCT-3'